The following is an entry in ClinVar:

NM_016038.4(SBDS):c.58A>C (p.Met20Leu)

Gene: SBDS (SBDS ribosome maturation factor; minus strand). Cytogenetic location: 7q11.21.
Variant type: single nucleotide variant.
Coding change: c.58A>C on transcript NM_016038.4 (MANE Select); coding-DNA position 58, A replaced by C.
Protein change: p.Met20Leu; replaces methionine 20 with leucine.
Molecular consequence: missense variant.
Genome position (GRCh38, 1-based): chr7:66,995,360, T>G on the plus strand (A>C on the coding strand, the complement: SBDS is on the minus strand). VCF-style: chr7-66995360-T-G. GRCh37 (hg19) VCF-style: chr7-66460347-T-G.
Other names: short protein forms M20L.
Identifiers: ClinVar variation 4159837 (VCV004159837.1).

ClinVar aggregate classification (germline): Uncertain significance (1 of 4 stars; one submission).

Conditions:
Inborn genetic diseases. Identifiers: MedGen C0950123, MeSH D030342.

Submission:

Ambry Genetics
Classification: Uncertain significance for Inborn genetic diseases. Last evaluated: 2025-09-11. Review status: criteria provided, single submitter. Criteria: Ambry Variant Classification Scheme 2023. Collection method: clinical testing. Allele origin: germline.
Comment: The p.M20L variant (also known as c.58A>C), located in coding exon 1 of the SBDS gene, results from an A to C substitution at nucleotide position 58. The methionine at codon 20 is replaced by leucine, an amino acid with highly similar properties. This amino acid position is conserved. In addition, the in silico prediction for this alteration is inconclusive. Based on the available evidence, the clinical significance of this variant remains unclear.